The following is an entry in ClinVar:

ClinVar aggregate classification (germline): Likely benign. Review status: criteria provided, multiple submitters, no conflicts (2 of 4 stars). 2 submissions from 2 submitters: Likely benign (2). Last evaluated 2026-08-01.

gnomAD v4.1: 205 of 1,612,448 alleles (0.013%); highest among the groups gnomAD compares: South Asian, 0.22%; 3 homozygotes.

Submissions (2):

CeGaT Center for Human Genetics Tuebingen
Classification: Likely benign. Last evaluated: 2026-08-01. Review status: criteria provided, single submitter. Criteria: CeGaT Center For Human Genetics Tuebingen Variant Classification Criteria Version 2. Collection method: clinical testing. Allele origin: germline. Affected: yes. Observed: 1 variant allele.
Comment: FOCAD: BP4, BP7

Labcorp Genetics (formerly Invitae), Labcorp
Classification: Likely benign. Last evaluated: 2025-04-27. Review status: criteria provided, single submitter. Criteria: Invitae Variant Classification Sherloc (09022015). Collection method: clinical testing. Allele origin: germline.

NM_001375567.1(FOCAD):c.5340G>A (p.Leu1780=)

Gene: FOCAD (focadhesin; plus strand). Cytogenetic location: 9p21.3.
Variant type: single nucleotide variant.
Coding change: c.5340G>A on transcript NM_001375567.1 (MANE Select); coding-DNA position 5340, G replaced by A.
Protein change: p.Leu1780=; no amino-acid change (leucine 1780 retained).
Molecular consequence: synonymous variant.
Genome position (GRCh38, 1-based): chr9:20,995,563, G>A. VCF-style: chr9-20995563-G-A. GRCh37 (hg19) VCF-style: chr9-20995562-G-A.
Other names: c.5235G>A, p.Leu1745= (NM_001375568.1, NM_001375570.1); c.5340G>A, p.Leu1780= (NM_017794.5).
Identifiers: ClinVar variation 4750348 (VCV004750348.2).